The following is an entry in ClinVar:

NM_000256.3(MYBPC3):c.1186T>G (p.Trp396Gly)

Gene: MYBPC3 (myosin binding protein C3; minus strand). Cytogenetic location: 11p11.2.
Variant type: single nucleotide variant.
Coding change: c.1186T>G on transcript NM_000256.3 (MANE Select); coding-DNA position 1186, T replaced by G.
Protein change: p.Trp396Gly; replaces tryptophan 396 with glycine.
Molecular consequence: missense variant.
Genome position (GRCh38, 1-based): chr11:47,343,529, A>C on the plus strand (T>G on the coding strand, the complement: MYBPC3 is on the minus strand). VCF-style: chr11-47343529-A-C. GRCh37 (hg19) VCF-style: chr11-47365080-A-C.
Other names: short protein forms W396G.
Identifiers: ClinVar variation 4725595 (VCV004725595.1).

ClinVar aggregate classification (germline): Uncertain significance (1 of 4 stars; one submission).

Conditions:
Hypertrophic cardiomyopathy. Also called: HYPERTROPHIC MYOCARDIOPATHY. Identifiers: Orphanet 217569, MedGen C0007194, MeSH D002312, MONDO:0005045, HP:0001639.

Submission:

Labcorp Genetics (formerly Invitae), Labcorp
Classification: Uncertain significance for Hypertrophic cardiomyopathy. Last evaluated: 2025-08-18. Review status: criteria provided, single submitter. Criteria: Invitae Variant Classification Sherloc (09022015). Collection method: clinical testing. Allele origin: germline.
Comment: This sequence change replaces tryptophan, which is neutral and slightly polar, with glycine, which is neutral and non-polar, at codon 396 of the MYBPC3 protein (p.Trp396Gly). This variant is not present in population databases (gnomAD no frequency). This variant has not been reported in the literature in individuals affected with MYBPC3-related conditions. An algorithm developed to predict the effect of missense changes on protein structure and function (PolyPhen-2) suggests that this variant is likely to be disruptive. In summary, the available evidence is currently insufficient to determine the role of this variant in disease. Therefore, it has been classified as a Variant of Uncertain Significance.